The following is an entry in ClinVar:

ClinVar aggregate classification (germline): Likely pathogenic (1 of 4 stars; one submission).

Conditions:
Autosomal recessive limb-girdle muscular dystrophy type 2J (LGMDR10). Also called: Limb-girdle muscular dystrophy, type 2J; MUSCULAR DYSTROPHY, LIMB-GIRDLE, AUTOSOMAL RECESSIVE 10. Identifiers: Orphanet 140922, MedGen C1837342, MONDO:0012127, OMIM 608807.
Dilated cardiomyopathy 1G (CMD1G). Identifiers: Orphanet 154, MedGen C1858763, MONDO:0011400, OMIM 604145.

Submission:

Labcorp Genetics (formerly Invitae), Labcorp
Classification: Likely pathogenic for Dilated cardiomyopathy 1G; Autosomal recessive limb-girdle muscular dystrophy type 2J. Last evaluated: 2025-11-25. Review status: criteria provided, single submitter. Criteria: Invitae Variant Classification Sherloc (09022015). Collection method: clinical testing. Allele origin: germline.
Comment: This sequence change creates a premature translational stop signal (p.Tyr35096*) in the TTN gene. While this is not anticipated to result in nonsense mediated decay, it is expected to create a truncated TTN protein. This variant is not present in population databases (gnomAD no frequency). This variant has not been reported in the literature in individuals affected with TTN-related conditions. This variant is located in the M band of TTN (PMID: 25589632). Truncating variants in this region have been previously reported in individuals affected with autosomal dominant or autosomal recessive myopathy and muscular dystrophy (PMID: 18948003, 23975875, 24395473). Truncating variants in this region have also been identified in individuals affected with autosomal dominant dilated cardiomyopathy and/or cardio-related conditions (PMID: 27869827, 32964742, internal data). In summary, the currently available evidence indicates that the variant is pathogenic, but additional data are needed to prove that conclusively. Therefore, this variant has been classified as Likely Pathogenic.

Literature cited by the submitters: PubMed 25589632; PubMed 18948003; PubMed 23975875; PubMed 24395473; PubMed 27869827; PubMed 32964742.

NM_001267550.2(TTN):c.105288T>A (p.Tyr35096Ter)

Genes: TTN (titin; minus strand), TTN-AS1 (TTN antisense RNA 1; plus strand). Cytogenetic location: 2q31.2.
Variant type: single nucleotide variant.
Coding change: c.105288T>A on transcript NM_001267550.2 (MANE Select); coding-DNA position 105288, T replaced by A.
Protein change: p.Tyr35096Ter; replaces tyrosine 35096 with a stop codon.
Molecular consequence: nonsense.
Genome position (GRCh38, 1-based): chr2:178,531,327, A>T on the plus strand (T>A on the coding strand, the complement: TTN is on the minus strand). VCF-style: chr2-178531327-A-T. GRCh37 (hg19) VCF-style: chr2-179396054-A-T.
Other names: c.100365T>A, p.Tyr33455Ter (NM_001256850.1); c.78093T>A, p.Tyr26031Ter (NM_003319.4); c.97584T>A, p.Tyr32528Ter (NM_133378.4); c.78468T>A, p.Tyr26156Ter (NM_133432.3); c.78669T>A, p.Tyr26223Ter (NM_133437.4); short protein forms Y26031*, Y26223*, Y33455*, Y35096*, Y32528*, Y26156*.
Identifiers: ClinVar variation 4790918 (VCV004790918.1).